The following is an entry in ClinVar:

NM_000552.5(VWF):c.1497G>C (p.Gln499His)

Gene: VWF (von Willebrand factor; minus strand). Cytogenetic location: 12p13.31.
Variant type: single nucleotide variant.
Coding change: c.1497G>C on transcript NM_000552.5 (MANE Select); coding-DNA position 1497, G replaced by C.
Protein change: p.Gln499His; replaces glutamine 499 with histidine.
Molecular consequence: missense variant.
Genome position (GRCh38, 1-based): chr12:6,062,990, C>G on the plus strand (G>C on the coding strand, the complement: VWF is on the minus strand). VCF-style: chr12-6062990-C-G. GRCh37 (hg19) VCF-style: chr12-6172156-C-G.
Other names: short protein forms Q499H.
Identifiers: ClinVar variation 989297 (VCV000989297.4), dbSNP rs774725519, ClinGen allele CA6403379.
Genomic context (GRCh38, chr12:6,062,990, plus strand): 5'-CCAGTACCCCGTGAGGGCACCTACCTTCACCAGCAGCCTCCCGCGGCCATCCCAGTCCAT[C>G]TGCAGGTCCTCCCCGTAGCTGAGGCGCACGGAGGCCGTCACTGTATGCTGGATGCGGAGG-3'
Protein context (NP_000543.3, residues 489-509): SVRLSYGEDL[Gln499His]MDWDGRGRLL

ClinVar aggregate classification (germline): Uncertain significance (1 of 4 stars; one submission).

Conditions:
von Willebrand disease type 1 (VWD1). Also called: VON WILLEBRAND DISEASE, TYPE I; VWD, TYPE 1. Identifiers: Orphanet 166078, Orphanet 903, MedGen C1264039, MONDO:0008668, OMIM 193400. Inheritance: autosomal recessive or autosomal dominant.

Allele frequency attached by ClinVar (database versions not stated): gnomAD exomes below 0.00001 and 0.00001; ExAC 0.00001; gnomAD 0.00001; TOPMed 0.00001.
gnomAD v4.1: 8 of 1,613,410 alleles (0.0005%); highest among the groups gnomAD compares: Non-Finnish European, 0.00068%; no homozygotes.

Submission:

Illumina Laboratory Services, Illumina
Classification: Uncertain significance for von Willebrand disease type 1. Last evaluated: 2019-03-20. Review status: criteria provided, single submitter. Criteria: ICSLVariantClassificationCriteria RUGD 01 April 2020. Collection method: clinical testing. Allele origin: unknown.
Comment: The VWF c.1497G>C (p.Gln499His) variant is a missense variant that has been reported in one study in which it was found in one individual affected with von Willebrand Disease type 1, presumably in a heterozygous state (Yadegari et al. 2012). No control data is available for this variant, which is reported at a frequency of 0.000009 in the European (non-Finnish) population of the Genome Aggregation Database, but this is based on one allele only in a region of good sequence coverage, so the variant is presumed to be rare. Based on the limited evidence, the p.Gln499His variant is classified as a variant of uncertain significance for von Willebrand disease.

Literature cited by the submitters: PubMed 22871923.